The following is an entry in ClinVar:

NM_001388492.1(HTT):c.4250C>T (p.Ala1417Val)

Gene: HTT (huntingtin; plus strand). Cytogenetic location: 4p16.3.
Variant type: single nucleotide variant.
Coding change: c.4250C>T on transcript NM_001388492.1 (MANE Select); coding-DNA position 4250, C replaced by T.
Protein change: p.Ala1417Val; replaces alanine 1417 with valine.
Molecular consequence: missense variant.
Genome position (GRCh38, 1-based): chr4:3,174,950, C>T. VCF-style: chr4-3174950-C-T. GRCh37 (hg19) VCF-style: chr4-3176677-C-T.
Other names: c.4256C>T, p.Ala1419Val (NM_002111.8); short protein forms A1417V, A1419V.
Identifiers: ClinVar variation 1501752 (VCV001501752.6), dbSNP rs372640158, ClinGen allele CA356066252.
Genomic context (GRCh38, chr4:3,174,950, plus strand): 5'-GCTTTTAGTTGAAGGCTTACTTATGGATTCTTTCTTTCTTTTTTTCTTTTTTATAGAATG[C>T]TATTCATAATCACATTCGTTTGTTTGAACCTCTTGTTATAAAAGCTTTAAAACAGTACAC-3'
Protein context (NP_001375421.1, residues 1407-1427): SVTKNRADKN[Ala1417Val]IHNHIRLFEP

ClinVar aggregate classification (germline): Uncertain significance (1 of 4 stars; one submission).

Submission:

Labcorp Genetics (formerly Invitae), Labcorp
Classification: Uncertain significance. Last evaluated: 2020-11-20. Review status: criteria provided, single submitter. Criteria: Invitae Variant Classification Sherloc (09022015). Collection method: clinical testing. Allele origin: germline.
Comment: In summary, the available evidence is currently insufficient to determine the role of this variant in disease. Therefore, it has been classified as a Variant of Uncertain Significance. Experimental studies and prediction algorithms are not available or were not evaluated, and the functional significance of this variant is currently unknown. This variant has not been reported in the literature in individuals with HTT-related conditions. This variant is not present in population databases (ExAC no frequency). This sequence change replaces alanine with valine at codon 1419 of the HTT protein (p.Ala1419Val). The alanine residue is moderately conserved and there is a small physicochemical difference between alanine and valine.